The following is an entry in ClinVar:

ClinVar aggregate classification (germline): Uncertain significance (1 of 4 stars; one submission).

Conditions:
DICER1-related tumor predisposition. Also called: DICER1 syndrome; DICER1-related pleuropulmonary blastoma cancer predisposition syndrome. Identifiers: Orphanet 284343, MedGen C3839822, MONDO:0100216.

Submission:

Labcorp Genetics (formerly Invitae), Labcorp
Classification: Uncertain significance for DICER1-related tumor predisposition. Last evaluated: 2023-11-13. Review status: criteria provided, single submitter. Criteria: Invitae Variant Classification Sherloc (09022015). Collection method: clinical testing. Allele origin: germline.
Comment: This sequence change replaces alanine, which is neutral and non-polar, with valine, which is neutral and non-polar, at codon 237 of the DICER1 protein (p.Ala237Val). This variant is not present in population databases (gnomAD no frequency). This variant has not been reported in the literature in individuals affected with DICER1-related conditions. ClinVar contains an entry for this variant (Variation ID: 640581). Advanced modeling of protein sequence and biophysical properties (such as structural, functional, and spatial information, amino acid conservation, physicochemical variation, residue mobility, and thermodynamic stability) performed at Invitae indicates that this missense variant is not expected to disrupt DICER1 protein function with a negative predictive value of 80%. In summary, the available evidence is currently insufficient to determine the role of this variant in disease. Therefore, it has been classified as a Variant of Uncertain Significance.

NM_177438.3(DICER1):c.710C>T (p.Ala237Val)

Gene: DICER1 (dicer 1, ribonuclease III; minus strand). Cytogenetic location: 14q32.13.
Variant type: single nucleotide variant.
Coding change: c.710C>T on transcript NM_177438.3 (MANE Select); coding-DNA position 710, C replaced by T.
Protein change: p.Ala237Val; replaces alanine 237 with valine.
Molecular consequence: missense variant.
Genome position (GRCh38, 1-based): chr14:95,129,496, G>A on the plus strand (C>T on the coding strand, the complement: DICER1 is on the minus strand). VCF-style: chr14-95129496-G-A. GRCh37 (hg19) VCF-style: chr14-95595833-G-A.
Other names: c.710C>T, p.Ala237Val (NM_001195573.1, NM_001271282.3, NM_001291628.2 and 1 more transcripts); short protein forms A237V.
Identifiers: ClinVar variation 640581 (VCV000640581.12), dbSNP rs1595456728, ClinGen allele CA390888006.
Genomic context (GRCh38, chr14:95,129,496, plus strand): 5'-AATCTCATTAAAGCTGAGTCAATCAGAAGTGCATACCTGTCTAAGACCACCAGGTCAGTT[G>A]CAGTTTCAGCATTACTCTTAAGAATTTTCTCTAGTTTCTGAATCTTTTCTTCCAATTCCT-3'
Protein context (NP_803187.1, residues 227-247): EKILKSNAET[Ala237Val]TDLVVLDRYT